The following is an entry in ClinVar:

ClinVar aggregate classification (germline): Uncertain significance. Review status: criteria provided, multiple submitters, no conflicts (2 of 4 stars). 3 submissions from 3 submitters: Uncertain significance (3). Last evaluated 2025-01-23.

Conditions:
X-linked severe congenital neutropenia (SCNX). Identifiers: Orphanet 86788, MedGen C1845987, MONDO:0010294, OMIM 300299.
Wiskott-Aldrich syndrome (WAS). Also called: ALDRICH SYNDROME; IMMUNODEFICIENCY 2; WISKOTT-ALDRICH SYNDROME 1; Wiskott-aldrich syndrome, somatic. Identifiers: Orphanet 906, MedGen C0043194, MONDO:0010518, OMIM 301000.
Thrombocytopenia 1. Also called: X-linked thrombocytopenia with normal platelets; X-Linked Thrombocytopenia (XLT); THROMBOCYTOPENIA, X-LINKED, 1. Identifiers: Orphanet 268322, Orphanet 852, MedGen C1839163, MONDO:0010743, OMIM 313900.
Inborn genetic diseases. Identifiers: MedGen C0950123, MeSH D030342.

Allele frequency attached by ClinVar (database versions not stated): gnomAD exomes 0.00001.

Submissions (3):

Labcorp Genetics (formerly Invitae), Labcorp
Classification: Uncertain significance for Wiskott-Aldrich syndrome; X-linked severe congenital neutropenia; Thrombocytopenia 1. Last evaluated: 2025-01-23. Review status: criteria provided, single submitter. Criteria: Invitae Variant Classification Sherloc (09022015). Collection method: clinical testing. Allele origin: germline.
Comment: This sequence change replaces proline, which is neutral and non-polar, with leucine, which is neutral and non-polar, at codon 416 of the WAS protein (p.Pro416Leu). This variant is present in population databases (no rsID available, gnomAD 0.01%). This variant has not been reported in the literature in individuals affected with WAS-related conditions. ClinVar contains an entry for this variant (Variation ID: 2319059). Invitae Evidence Modeling of protein sequence and biophysical properties (such as structural, functional, and spatial information, amino acid conservation, physicochemical variation, residue mobility, and thermodynamic stability) indicates that this missense variant is not expected to disrupt WAS protein function with a negative predictive value of 80%. In summary, the available evidence is currently insufficient to determine the role of this variant in disease. Therefore, it has been classified as a Variant of Uncertain Significance.

Fulgent Genetics
Classification: Uncertain significance for X-linked severe congenital neutropenia; Wiskott-Aldrich syndrome; Thrombocytopenia 1. Last evaluated: 2024-01-28. Review status: criteria provided, single submitter. Criteria: ACMG Guidelines, 2015. Collection method: clinical testing. Allele origin: germline.

Ambry Genetics
Classification: Uncertain significance for Inborn genetic diseases. Last evaluated: 2022-10-25. Review status: criteria provided, single submitter. Criteria: Ambry Variant Classification Scheme 2023. Collection method: clinical testing. Allele origin: germline.

NM_000377.3(WAS):c.1247C>T (p.Pro416Leu)

Gene: WAS (WASP actin nucleation promoting factor; plus strand). Cytogenetic location: Xp11.23.
Variant type: single nucleotide variant.
Coding change: c.1247C>T on transcript NM_000377.3 (MANE Select); coding-DNA position 1247, C replaced by T.
Protein change: p.Pro416Leu; replaces proline 416 with leucine.
Molecular consequence: missense variant.
Genome position (GRCh38, 1-based): chrX:48,688,975, C>T. VCF-style: chrX-48688975-C-T. GRCh37 (hg19) VCF-style: chrX-48547364-C-T.
Other names: short protein forms P416L.
Identifiers: ClinVar variation 2319059 (VCV002319059.6), dbSNP rs1557007304, ClinGen allele CA412873580.